The following is an entry in ClinVar:

NM_001042492.3(NF1):c.5486C>A (p.Thr1829Asn)

Gene: NF1 (neurofibromin 1; plus strand). Cytogenetic location: 17q11.2.
Variant type: single nucleotide variant.
Coding change: c.5486C>A on transcript NM_001042492.3 (MANE Select); coding-DNA position 5486, C replaced by A.
Protein change: p.Thr1829Asn; replaces threonine 1829 with asparagine.
Molecular consequence: missense variant.
Genome position (GRCh38, 1-based): chr17:31,327,716, C>A. VCF-style: chr17-31327716-C-A. GRCh37 (hg19) VCF-style: chr17-29654734-C-A.
Other names: c.5423C>A, p.Thr1808Asn (NM_000267.4); short protein forms T1808N, T1829N.
Identifiers: ClinVar variation 1747450 (VCV001747450.2), dbSNP rs2069382135, ClinGen allele CA399009553.

ClinVar aggregate classification (germline): Uncertain significance (1 of 4 stars; one submission).

Conditions:
Cardiovascular phenotype. Identifiers: MedGen CN230736.
Hereditary cancer-predisposing syndrome. Also called: Hereditary Cancer Syndrome; Neoplastic Syndromes, Hereditary; Tumor predisposition; Hereditary neoplastic syndrome. Identifiers: Orphanet 140162, MedGen C0027672, MeSH D009386, MONDO:0015356.

Submission:

Ambry Genetics
Classification: Uncertain significance for Cardiovascular phenotype; Hereditary cancer-predisposing syndrome. Last evaluated: 2021-06-28. Review status: criteria provided, single submitter. Criteria: Ambry Variant Classification Scheme 2023. Collection method: clinical testing. Allele origin: germline.
Comment: The p.T1808N variant (also known as c.5423C>A), located in coding exon 37 of the NF1 gene, results from a C to A substitution at nucleotide position 5423. The threonine at codon 1808 is replaced by asparagine, an amino acid with similar properties. This amino acid position is highly conserved in available vertebrate species. In addition, the in silico prediction for this alteration is inconclusive. Since supporting evidence is limited at this time, the clinical significance of this alteration remains unclear.